The following is an entry in ClinVar:

ClinVar aggregate classification (germline): Uncertain significance. Review status: criteria provided, multiple submitters, no conflicts (2 of 4 stars). 2 submissions from 2 submitters: Uncertain significance (2). Last evaluated 2024-09-29.

Conditions:
Brain small vessel disease 1 with or without ocular anomalies (BSVD1). Also called: BRAIN SMALL VESSEL DISEASE WITH HEMORRHAGE; GOULD SYNDROME 1; PORENCEPHALY, TYPE 1, AUTOSOMAL DOMINANT; Brain small vessel disease with or without ocular anomalies. Identifiers: Orphanet 2940, Orphanet 36383, Orphanet 99810, MedGen C4755307, MONDO:0008289, OMIM 175780.

Submissions (2):

Labcorp Genetics (formerly Invitae), Labcorp
Classification: Uncertain significance. Last evaluated: 2024-09-29. Review status: criteria provided, single submitter. Criteria: Invitae Variant Classification Sherloc (09022015). Collection method: clinical testing. Allele origin: germline.
Comment: This variant, c.2947_2964dup, results in the insertion of 6 amino acid(s) of the COL4A1 protein (p.Ala983_Gln988dup), but otherwise preserves the integrity of the reading frame. This variant is not present in population databases (gnomAD no frequency). This variant has not been reported in the literature in individuals affected with COL4A1-related conditions. ClinVar contains an entry for this variant (Variation ID: 1440046). Experimental studies and prediction algorithms are not available or were not evaluated, and the functional significance of this variant is currently unknown. In summary, the available evidence is currently insufficient to determine the role of this variant in disease. Therefore, it has been classified as a Variant of Uncertain Significance.

3billion
Classification: Uncertain significance for Brain small vessel disease 1 with or without ocular anomalies. Last evaluated: 2023-02-23. Review status: criteria provided, single submitter. Criteria: ACMG Guidelines, 2015. Collection method: clinical testing. Allele origin: unknown. Affected: yes.
Comment: The variant is not observed in the gnomAD v2.1.1 dataset. This variant is located in a nonrepeat region and predicted to change the length of the protein and disrupt normal protein function. Therefore, this variant is classified as VUS according to the recommendation of ACMG/AMP guideline.

NM_001845.6(COL4A1):c.2947_2964dup (p.Ala983_Gln988dup)

Gene: COL4A1 (collagen type IV alpha 1 chain; minus strand). Cytogenetic location: 13q34.
Variant type: Duplication.
Coding change: c.2947_2964dup on transcript NM_001845.6 (MANE Select); coding-DNA positions 2947 to 2964, 18 bases duplicated (GCAGGACAGCCTGGGCAG).
Protein change: p.Ala983_Gln988dup.
Molecular consequence: inframe insertion.
Genome position (GRCh38, 1-based): chr13:110,176,630-110,176,647, CTGCCCAGGCTGTCCTGC duplicated on the plus strand (GCAGGACAGCCTGGGCAG on the coding strand, the reverse complement: COL4A1 is on the minus strand); duplicating any 18 consecutive bases within chr13:110,176,630-110,176,653 gives the same sequence; the c. name uses the placement nearest the transcript's 3' end. VCF-style (leftmost placement, unchanged base first): chr13-110176629-G-GCTGCCCAGGCTGTCCTGC. GRCh37 (hg19) VCF-style: chr13-110828976-G-GCTGCCCAGGCTGTCCTGC.
Identifiers: ClinVar variation 1440046 (VCV001440046.6), dbSNP rs2139162654, ClinGen allele CA2573149435.